The following is an entry in ClinVar:

ClinVar aggregate classification (germline): Uncertain significance (1 of 4 stars; one submission).

Conditions:
Oxoglutaricaciduria. Identifiers: Orphanet 31, MedGen C2752074, MONDO:0008759, OMIM 203740.

Allele frequency attached by ClinVar (database versions not stated): gnomAD exomes below 0.00001.
gnomAD v4.1: 2 of 1,614,248 alleles (0.00012%); highest among the groups gnomAD compares: Non-Finnish European, 0.00017%; no homozygotes.

Submission:

Labcorp Genetics (formerly Invitae), Labcorp
Classification: Uncertain significance for Oxoglutaricaciduria. Last evaluated: 2019-03-07. Review status: criteria provided, single submitter. Criteria: Invitae Variant Classification Sherloc (09022015). Collection method: clinical testing. Allele origin: germline.
Comment: In summary, the available evidence is currently insufficient to determine the role of this variant in disease. Therefore, it has been classified as a Variant of Uncertain Significance. Algorithms developed to predict the effect of sequence changes on RNA splicing suggest that this variant may create or strengthen a splice site, but this prediction has not been confirmed by published transcriptional studies. Algorithms developed to predict the effect of missense changes on protein structure and function are either unavailable or do not agree on the potential impact of this missense change (SIFT: "Deleterious"; PolyPhen-2: "Probably Damaging"; Align-GVGD: "Class C0"). This variant has not been reported in the literature in individuals with OGDH-related disease. This variant is not present in population databases (ExAC no frequency). This sequence change replaces alanine with threonine at codon 926 of the OGDH protein (p.Ala926Thr). The alanine residue is highly conserved and there is a small physicochemical difference between alanine and threonine.

NM_002541.4(OGDH):c.2776G>A (p.Ala926Thr)

Gene: OGDH (oxoglutarate dehydrogenase; plus strand). Cytogenetic location: 7p13.
Variant type: single nucleotide variant.
Coding change: c.2776G>A on transcript NM_002541.4 (MANE Select); coding-DNA position 2776, G replaced by A.
Protein change: p.Ala926Thr; replaces alanine 926 with threonine.
Molecular consequence: missense variant.
Genome position (GRCh38, 1-based): chr7:44,707,368, G>A. VCF-style: chr7-44707368-G-A. GRCh37 (hg19) VCF-style: chr7-44746967-G-A.
Other names: c.2764G>A, p.Ala922Thr (NM_001165036.2); c.2809G>A, p.Ala937Thr (NM_001363523.2); short protein forms A937T, A922T, A926T.
Identifiers: ClinVar variation 653756 (VCV000653756.11), dbSNP rs1210479704, ClinGen allele CA367407128.